The following is an entry in ClinVar:

NM_000179.3(MSH6):c.3086T>G (p.Leu1029Trp)

Gene: MSH6 (mutS homolog 6; plus strand). Cytogenetic location: 2p16.3.
Variant type: single nucleotide variant.
Coding change: c.3086T>G on transcript NM_000179.3 (MANE Select); coding-DNA position 3086, T replaced by G.
Protein change: p.Leu1029Trp; replaces leucine 1029 with tryptophan.
Molecular consequence: missense variant.
Genome position (GRCh38, 1-based): chr2:47,801,069, T>G. VCF-style: chr2-47801069-T-G. GRCh37 (hg19) VCF-style: chr2-48028208-T-G.
Other names: c.2696T>G, p.Leu899Trp (NM_001281492.2); c.2180T>G, p.Leu727Trp (NM_001281493.2, NM_001281494.2); short protein forms L1029W, L899W, L727W.
Identifiers: ClinVar variation 525752 (VCV000525752.16), dbSNP rs1553414483, ClinGen allele CA346756571.

ClinVar aggregate classification (germline): Uncertain significance. Review status: criteria provided, multiple submitters, no conflicts (2 of 4 stars). 3 submissions from 3 submitters: Uncertain significance (3). Last evaluated 2025-07-30.

Conditions:
Hereditary nonpolyposis colorectal neoplasms. Identifiers: MedGen C0009405, MeSH D003123.
Hereditary cancer-predisposing syndrome. Also called: Neoplastic Syndromes, Hereditary; Tumor predisposition; Hereditary Cancer Syndrome; Hereditary neoplastic syndrome. Identifiers: Orphanet 140162, MedGen C0027672, MeSH D009386, MONDO:0015356.

Submissions (3):

Labcorp Genetics (formerly Invitae), Labcorp
Classification: Uncertain significance for Hereditary nonpolyposis colorectal neoplasms. Last evaluated: 2025-07-30. Review status: criteria provided, single submitter. Criteria: Invitae Variant Classification Sherloc (09022015). Collection method: clinical testing. Allele origin: germline.
Comment: This sequence change replaces leucine, which is neutral and non-polar, with tryptophan, which is neutral and slightly polar, at codon 1029 of the MSH6 protein (p.Leu1029Trp). This variant is not present in population databases (gnomAD no frequency). This variant has not been reported in the literature in individuals affected with MSH6-related conditions. ClinVar contains an entry for this variant (Variation ID: 525752). Invitae Evidence Modeling of protein sequence and biophysical properties (such as structural, functional, and spatial information, amino acid conservation, physicochemical variation, residue mobility, and thermodynamic stability) has been performed for this missense variant. However, the output from this modeling did not meet the statistical confidence thresholds required to predict the impact of this variant on MSH6 protein function. In summary, the available evidence is currently insufficient to determine the role of this variant in disease. Therefore, it has been classified as a Variant of Uncertain Significance.

Ambry Genetics
Classification: Uncertain significance for Hereditary cancer-predisposing syndrome. Last evaluated: 2024-05-31. Review status: criteria provided, single submitter. Criteria: Ambry Variant Classification Scheme 2023. Collection method: clinical testing. Allele origin: germline.
Comment: The p.L1029W variant (also known as c.3086T>G), located in coding exon 4 of the MSH6 gene, results from a T to G substitution at nucleotide position 3086. The leucine at codon 1029 is replaced by tryptophan, an amino acid with similar properties. This amino acid position is well conserved in available vertebrate species. In addition, this alteration is predicted to be deleterious by in silico analysis. Since supporting evidence is limited at this time, the clinical significance of this alteration remains unclear.

Color Diagnostics, LLC DBA Color Health
Classification: Uncertain significance for Hereditary cancer-predisposing syndrome. Last evaluated: 2023-12-04. Review status: criteria provided, single submitter. Criteria: ACMG Guidelines, 2015. Collection method: clinical testing. Allele origin: germline.
Comment: This missense variant replaces leucine with tryptophan at codon 1029 of the MSH6 protein. Computational prediction tools and conservation analyses are inconclusive regarding the impact of this variant on the protein function. Computational splicing tools suggest that this variant may not impact RNA splicing. To our knowledge, functional assays have not been performed for this variant nor has this variant been reported in individuals affected with hereditary cancer in the literature. This variant has not been identified in the general population by the Genome Aggregation Database (gnomAD). Available evidence is insufficient to determine the role of this variant in disease conclusively. Therefore, this variant is classified as a Variant of Uncertain Significance.